The following is an entry in ClinVar:

ClinVar aggregate classification (germline): Uncertain significance (1 of 4 stars; one submission).

Conditions:
Andersen Tawil syndrome (LQT7). Also called: ANDERSEN CARDIODYSRHYTHMIC PERIODIC PARALYSIS; Andersen Syndrome; PERIODIC PARALYSIS, POTASSIUM-SENSITIVE CARDIODYSRHYTHMIC TYPE; Potassium-sensitive periodic paralysis, ventricular ectopy, and dysmorphic features; LONG QT SYNDROME 7. Identifiers: Orphanet 37553, MedGen C1563715, MONDO:0008222, OMIM 170390.
Short QT syndrome type 3. Identifiers: Orphanet 51083, MedGen C1865018, MONDO:0012314, OMIM 609622.

Allele frequency attached by ClinVar (database versions not stated): gnomAD exomes below 0.00001.
gnomAD v4.1: 1 of 1,614,114 alleles (0.000062%); highest among the groups gnomAD compares: East Asian, 0.0022%; no homozygotes.

Submission:

Labcorp Genetics (formerly Invitae), Labcorp
Classification: Uncertain significance for Short QT syndrome type 3; Andersen Tawil syndrome. Last evaluated: 2018-06-14. Review status: criteria provided, single submitter. Criteria: Invitae Variant Classification Sherloc (09022015). Collection method: clinical testing. Allele origin: germline.
Comment: In summary, the available evidence is currently insufficient to determine the role of this variant in disease. Therefore, it has been classified as a Variant of Uncertain Significance. Algorithms developed to predict the effect of missense changes on protein structure and function are either unavailable or do not agree on the potential impact of this missense change (SIFT: "Deleterious"; PolyPhen-2: "Benign"; Align-GVGD: "Class C0"). This variant has not been reported in the literature in individuals with KCNJ2-related disease. This variant is not present in population databases (ExAC no frequency). This sequence change replaces serine with asparagine at codon 397 of the KCNJ2 protein (p.Ser397Asn). The serine residue is highly conserved and there is a small physicochemical difference between serine and asparagine.

NM_000891.3(KCNJ2):c.1190G>A (p.Ser397Asn)

Gene: KCNJ2 (potassium inwardly rectifying channel subfamily J member 2; plus strand). Cytogenetic location: 17q24.3.
Variant type: single nucleotide variant.
Coding change: c.1190G>A on transcript NM_000891.3 (MANE Select); coding-DNA position 1190, G replaced by A.
Protein change: p.Ser397Asn; replaces serine 397 with asparagine.
Molecular consequence: missense variant.
Genome position (GRCh38, 1-based): chr17:70,176,229, G>A. VCF-style: chr17-70176229-G-A. GRCh37 (hg19) VCF-style: chr17-68172370-G-A.
Other names: short protein forms S397N.
Identifiers: ClinVar variation 566184 (VCV000566184.8), dbSNP rs1567823283, ClinGen allele CA400863924.